The following is an entry in ClinVar:

NM_001367561.1(DOCK7):c.3679C>T (p.Pro1227Ser)

Gene: DOCK7 (dedicator of cytokinesis 7; minus strand). Cytogenetic location: 1p31.3.
Variant type: single nucleotide variant.
Coding change: c.3679C>T on transcript NM_001367561.1 (MANE Select); coding-DNA position 3679, C replaced by T.
Protein change: p.Pro1227Ser; replaces proline 1227 with serine.
Molecular consequence: missense variant.
Genome position (GRCh38, 1-based): chr1:62,529,379, G>A on the plus strand (C>T on the coding strand, the complement: DOCK7 is on the minus strand). VCF-style: chr1-62529379-G-A. GRCh37 (hg19) VCF-style: chr1-62995050-G-A.
Other names: c.3679C>T, p.Pro1227Ser (NM_001271999.2, NM_001330614.2); c.3586C>T, p.Pro1196Ser (NM_001272000.2, NM_001272001.2, NM_033407.4); c.3586C>T (NM_033407.2); short protein forms P1196S, P1227S.
Identifiers: ClinVar variation 1014345 (VCV001014345.7), dbSNP rs756746649, ClinGen allele CA885920.
Genomic context (GRCh38, chr1:62,529,379, plus strand): 5'-CAATCAGAGGTAGATACAACATGGCCACTCGAGCCTTTATCTGAGGGTCAGAGTACCGCG[G>A]GTCTGAGTCGTGACTGGAGAGTAAATTGTGTACCATATTGATGACTTTCTTATGCAATCC-3'
Protein context (NP_001354490.1, residues 1217-1237): HNLLSSHDSD[Pro1227Ser]RYSDPQIKAR

ClinVar aggregate classification (germline): Uncertain significance. Review status: criteria provided, multiple submitters, no conflicts (2 of 4 stars). 2 submissions from 2 submitters: Uncertain significance (2). Last evaluated 2022-10-18.

Conditions:
Developmental and epileptic encephalopathy, 23 (DEE23). Also called: Epileptic encephalopathy, early infantile, 23. Identifiers: Orphanet 411986, MedGen C4014492, MONDO:0014371, OMIM 615859.
Inborn genetic diseases. Identifiers: MedGen C0950123, MeSH D030342.

Allele frequency attached by ClinVar (database versions not stated): TOPMed 0.00002; ExAC 0.00003; gnomAD exomes 0.00003; gnomAD 0.00001.
gnomAD v4.1: 9 of 1,613,438 alleles (0.00056%); highest among the groups gnomAD compares: Admixed American, 0.013%; no homozygotes.

Submissions (2):

Labcorp Genetics (formerly Invitae), Labcorp
Classification: Uncertain significance for Developmental and epileptic encephalopathy, 23. Last evaluated: 2022-10-18. Review status: criteria provided, single submitter. Criteria: Invitae Variant Classification Sherloc (09022015). Collection method: clinical testing. Allele origin: germline.
Comment: This sequence change replaces proline, which is neutral and non-polar, with serine, which is neutral and polar, at codon 1227 of the DOCK7 protein (p.Pro1227Ser). This variant is present in population databases (rs756746649, gnomAD 0.02%). This variant has not been reported in the literature in individuals affected with DOCK7-related conditions. ClinVar contains an entry for this variant (Variation ID: 1014345). Advanced modeling of protein sequence and biophysical properties (such as structural, functional, and spatial information, amino acid conservation, physicochemical variation, residue mobility, and thermodynamic stability) performed at Invitae indicates that this missense variant is not expected to disrupt DOCK7 protein function. In summary, the available evidence is currently insufficient to determine the role of this variant in disease. Therefore, it has been classified as a Variant of Uncertain Significance.

Ambry Genetics
Classification: Uncertain significance for Inborn genetic diseases. Last evaluated: 2022-07-13. Review status: criteria provided, single submitter. Criteria: Ambry Variant Classification Scheme 2023. Collection method: clinical testing. Allele origin: germline.